The following is an entry in ClinVar:

ClinVar aggregate classification (germline): Likely benign. Review status: reviewed by expert panel (3 of 4 stars). 3 submissions from 3 submitters: Likely benign (1). 2 of the submissions do not count toward it. Last evaluated 2017-06-29.

Conditions:
Hereditary cancer-predisposing syndrome. Also called: Hereditary Cancer Syndrome; Hereditary neoplastic syndrome; Tumor predisposition; Neoplastic Syndromes, Hereditary. Identifiers: Orphanet 140162, MedGen C0027672, MeSH D009386, MONDO:0015356.
Hereditary breast ovarian cancer syndrome. Also called: Hereditary breast and ovarian cancer syndrome; Hereditary breast and ovarian cancer syndrome (HBOC); BRCA1- and BRCA2-Associated Hereditary Breast and Ovarian Cancer; Breast and ovarian cancer; Hereditary breast and ovarian cancer; Hereditary breast and/or ovarian cancer syndrome. Identifiers: Orphanet 145, MedGen C0677776, MeSH D061325, MONDO:0003582. Disease mechanism: loss of function.
Breast-ovarian cancer, familial, susceptibility to, 1 (BROVCA1). Also called: OVARIAN CANCER, SUSCEPTIBILITY TO; BRCA1 Hereditary Breast and Ovarian Cancer. Identifiers: Orphanet 145, MedGen C2676676, MONDO:0011450, OMIM 604370. Disease mechanism: loss of function.

Submissions (3):

Evidence-based Network for the Interpretation of Germline Mutant Alleles (ENIGMA)
Classification: Likely benign for Breast-ovarian cancer, familial, susceptibility to, 1. Last evaluated: 2017-06-29. Review status: reviewed by expert panel. Criteria: ENIGMA BRCA1/2 Classification Criteria (2017-06-29). Collection method: curation. Allele origin: germline.
Comment: Synonymous substitution variant, with low bioinformatic likelihood to result in a splicing aberration (Splicing prior probability 0.02).

Labcorp Genetics (formerly Invitae), Labcorp
Classification: Likely benign for Hereditary breast ovarian cancer syndrome. Last evaluated: 2026-01-19. Review status: criteria provided, single submitter. Criteria: Invitae Variant Classification Sherloc (09022015). Collection method: clinical testing. Allele origin: germline. Not counted in ClinVar's aggregate classification.

Ambry Genetics
Classification: Likely benign for Hereditary cancer-predisposing syndrome. Last evaluated: 2015-03-30. Review status: criteria provided, single submitter. Criteria: Ambry Variant Classification Scheme 2023. Collection method: clinical testing. Allele origin: germline. Not counted in ClinVar's aggregate classification.

NM_007294.4(BRCA1):c.1728A>G (p.Lys576=)

Gene: BRCA1 (BRCA1 DNA repair associated; minus strand). Cytogenetic location: 17q21.31.
Variant type: single nucleotide variant.
Coding change: c.1728A>G on transcript NM_007294.4 (MANE Select); coding-DNA position 1728, A replaced by G.
Protein change: p.Lys576=; no amino-acid change (lysine 576 retained).
Molecular consequence: synonymous variant. On other transcripts: intron variant (137).
Genome position (GRCh38, 1-based): chr17:43,093,803, T>C on the plus strand (A>G on the coding strand, the complement: BRCA1 is on the minus strand). VCF-style: chr17-43093803-T-C. GRCh37 (hg19) VCF-style: chr17-41245820-T-C.
Other names: c.1515A>G, p.Lys505= (NM_001407571.1, NM_001407853.1, NM_001407894.1 and 9 more transcripts); c.1728A>G, p.Lys576= (NM_001407581.1, NM_001407582.1, NM_001407583.1 and 30 more transcripts); c.1725A>G, p.Lys575= (NM_001407587.1, NM_001407590.1, NM_001407591.1 and 22 more transcripts); c.1719A>G, p.Lys573= (NM_001407646.1, NM_001407647.1); c.1605A>G, p.Lys535= (NM_001407648.1, NM_001407664.1, NM_001407665.1 and 19 more transcripts); c.1602A>G, p.Lys534= (NM_001407649.1, NM_001407670.1, NM_001407671.1 and 11 more transcripts); c.1650A>G, p.Lys550= (NM_001407653.1, NM_001407654.1, NM_001407655.1 and 4 more transcripts); c.1647A>G, p.Lys549= (NM_001407659.1, NM_001407660.1, NM_001407661.1 and 1 more transcripts); and 40 more.
Identifiers: ClinVar variation 184030 (VCV000184030.11), dbSNP rs786201232, ClinGen allele CA001131.
Genomic context (GRCh38, chr17:43,093,803, plus strand): 5'-GAGTTCCATATTGCTTATACTGCTGCTTATAGGTTCAGCTTTCGTTTTGAAAGCAGATTC[T>C]TTTTCGAGTGATTCTATTGGGTTAGGATTTTTCTCATTCTGAATAGAATCACCTTTTGTT-3'
Protein context (NP_009225.1, residues 566-586): KNPNPIESLE[Lys576=]ESAFKTKAEP